The following is an entry in ClinVar:

NM_004360.5(CDH1):c.2386C>A (p.Arg796=)

Gene: CDH1 (cadherin 1; plus strand). Cytogenetic location: 16q22.1.
Variant type: single nucleotide variant.
Coding change: c.2386C>A on transcript NM_004360.5 (MANE Select); coding-DNA position 2386, C replaced by A.
Protein change: p.Arg796=; no amino-acid change (arginine 796 retained).
Molecular consequence: synonymous variant.
Genome position (GRCh38, 1-based): chr16:68,829,744, C>A. VCF-style: chr16-68829744-C-A. GRCh37 (hg19) VCF-style: chr16-68863647-C-A.
Other names: c.2386C>A (LRG_301t1); c.2203C>A, p.Arg735= (NM_001317184.2); c.838C>A, p.Arg280= (NM_001317185.2); c.421C>A, p.Arg141= (NM_001317186.2).
Identifiers: ClinVar variation 421134 (VCV000421134.12), dbSNP rs777363517, ClinGen allele CA16620260.

ClinVar aggregate classification (germline): Conflicting classifications of pathogenicity. Review status: criteria provided, conflicting classifications (1 of 4 stars). 4 submissions from 4 submitters: Uncertain significance (3); Benign (1). Last evaluated 2025-04-08.

Conditions:
Hereditary cancer-predisposing syndrome. Also called: Hereditary neoplastic syndrome; Hereditary Cancer Syndrome; Neoplastic Syndromes, Hereditary; Tumor predisposition. Identifiers: Orphanet 140162, MedGen C0027672, MeSH D009386, MONDO:0015356.
Hereditary diffuse gastric adenocarcinoma (HDGC). Also called: DIFFUSE GASTRIC AND LOBULAR BREAST CANCER SYNDROME. Identifiers: Orphanet 26106, MedGen C1708349, MONDO:0007648, OMIM 137215.

Submissions (4):

Labcorp Genetics (formerly Invitae), Labcorp
Classification: Uncertain significance for Hereditary diffuse gastric adenocarcinoma. Last evaluated: 2025-04-08. Review status: criteria provided, single submitter. Criteria: Invitae Variant Classification Sherloc (09022015). Collection method: clinical testing. Allele origin: germline.
Comment: This sequence change affects codon 796 of the CDH1 mRNA. It is a 'silent' change, meaning that it does not change the encoded amino acid sequence of the CDH1 protein. This variant is not present in population databases (gnomAD no frequency). This variant has not been reported in the literature in individuals affected with CDH1-related conditions. ClinVar contains an entry for this variant (Variation ID: 421134). Studies have shown that this variant is associated with inconclusive levels of altered splicing (internal data). In summary, the available evidence is currently insufficient to determine the role of this variant in disease. Therefore, it has been classified as a Variant of Uncertain Significance.

Ambry Genetics
Classification: Uncertain significance for Hereditary cancer-predisposing syndrome. Last evaluated: 2024-10-07. Review status: criteria provided, single submitter. Criteria: Ambry Variant Classification Scheme 2023. Collection method: clinical testing. Allele origin: germline.
Comment: The c.2386C>A variant (also known as p.R796R), located in coding exon 15 of the CDH1 gene, results from a C to A substitution at nucleotide position 2386. This nucleotide substitution does not change the amino acid at codon 796. This nucleotide position is highly conserved in available vertebrate species. In silico splice site analysis predicts that this alteration will result in the creation or strengthening of a novel splice donor site. RNA studies have demonstrated that this alteration results in an incomplete splice defect; the clinical impact of this abnormal splicing is unknown at this time (Ambry internal data). Since supporting evidence is limited at this time, the clinical significance of this alteration remains unclear.

Myriad Genetics, Inc.
Classification: Benign for Hereditary diffuse gastric adenocarcinoma. Last evaluated: 2024-09-23. Review status: criteria provided, single submitter. Criteria: Myriad Autosomal Dominant, Autosomal Recessive and X-Linked Classification Criteria (2023). Collection method: clinical testing. Allele origin: unknown.
Comment: This variant is considered benign. This variant is a silent/synonymous amino acid change and it is not expected to impact splicing.

GeneDx
Classification: Uncertain significance. Last evaluated: 2016-05-10. Review status: criteria provided, single submitter. Criteria: GeneDx Variant Classification (06012015). Collection method: clinical testing. Allele origin: germline. Affected: yes.
Comment: This variant is denoted CDH1 c.2386C>A at the DNA level. Although this variant is silent at the coding level, preserving an Arginine at codon 796, it is predicted to result in a weaker cryptic splice site upstream of the natural splice donor site. While, this is not predicted to alter the natural splice donor site, in the absence of RNA or functional studies, the actual effect of this variant is unknown. This variant has not, to our knowledge, been published in the literature as being pathogenic or benign. CDH1 c.2386C>A was not observed in approximately 6,500 individuals of European and African American ancestry in the NHLBI Exome Sequencing Project, indicating it is not a common benign variant in these populations.The nucleotide which is altered, a cytosine (C) at base 2386, is conserved across species. Based on currently available information, it is unclear whether CDH1 c.2386C>A is a pathogenic or benign variant. We consider it to be a variant of uncertain significance.